The following is an entry in ClinVar:

ClinVar aggregate classification (germline): Uncertain significance. Review status: criteria provided, multiple submitters, no conflicts (2 of 4 stars). 2 submissions from 2 submitters: Uncertain significance (2). Last evaluated 2021-11-18.

Allele frequency attached by ClinVar (database versions not stated): TOPMed 0.00001.

Submissions (2):

Labcorp Genetics (formerly Invitae), Labcorp
Classification: Uncertain significance. Last evaluated: 2021-11-18. Review status: criteria provided, single submitter. Criteria: Invitae Variant Classification Sherloc (09022015). Collection method: clinical testing. Allele origin: germline.
Comment: In summary, the available evidence is currently insufficient to determine the role of this variant in disease. Therefore, it has been classified as a Variant of Uncertain Significance. Algorithms developed to predict the effect of missense changes on protein structure and function output the following: SIFT: "Tolerated"; PolyPhen-2: "Benign"; Align-GVGD: "Class C0". The threonine amino acid residue is found in multiple mammalian species, which suggests that this missense change does not adversely affect protein function. ClinVar contains an entry for this variant (Variation ID: 595851). This variant has not been reported in the literature in individuals affected with VCAN-related conditions. This variant is not present in population databases (gnomAD no frequency). This sequence change replaces alanine, which is neutral and non-polar, with threonine, which is neutral and polar, at codon 892 of the VCAN protein (p.Ala892Thr).

Eurofins Ntd Llc (ga)
Classification: Uncertain significance. Last evaluated: 2018-02-02. Review status: criteria provided, single submitter. Criteria: EGL Classification Definitions 2015. Collection method: clinical testing. Allele origin: germline. Observed: 1 variant allele, 1 heterozygote.

NM_004385.5(VCAN):c.2674G>A (p.Ala892Thr)

Gene: VCAN (versican; plus strand). Cytogenetic location: 5q14.3.
Variant type: single nucleotide variant.
Coding change: c.2674G>A on transcript NM_004385.5 (MANE Select); coding-DNA position 2674, G replaced by A.
Protein change: p.Ala892Thr; replaces alanine 892 with threonine.
Molecular consequence: missense variant. On other transcripts: intron variant (2).
Genome position (GRCh38, 1-based): chr5:83,520,980, G>A. VCF-style: chr5-83520980-G-A. GRCh37 (hg19) VCF-style: chr5-82816799-G-A.
Other names: c.2674G>A, p.Ala892Thr (NM_001164098.2); c.1042+8584G>A (NM_001164097.2, NM_001126336.3); short protein forms A892T.
Identifiers: ClinVar variation 595851 (VCV000595851.10), dbSNP rs1314489533, ClinGen allele CA360304443.